The following is an entry in ClinVar:

NM_000240.4(MAOA):c.812A>G (p.Asn271Ser)

Gene: MAOA (monoamine oxidase A; plus strand). Cytogenetic location: Xp11.3.
Variant type: single nucleotide variant.
Coding change: c.812A>G on transcript NM_000240.4 (MANE Select); coding-DNA position 812, A replaced by G.
Protein change: p.Asn271Ser; replaces asparagine 271 with serine.
Molecular consequence: missense variant.
Genome position (GRCh38, 1-based): chrX:43,731,710, A>G. VCF-style: chrX-43731710-A-G. GRCh37 (hg19) VCF-style: chrX-43590957-A-G.
Other names: c.413A>G, p.Asn138Ser (NM_001270458.2); c.812A>G (NM_000240.2); short protein forms N138S, N271S.
Identifiers: ClinVar variation 1496962 (VCV001496962.9), dbSNP rs2147103024, ClinGen allele CA413007477.

ClinVar aggregate classification (germline): Conflicting classifications of pathogenicity. Review status: criteria provided, conflicting classifications (1 of 4 stars). 2 submissions from 2 submitters: Uncertain significance (1); Likely benign (1). Last evaluated 2025-10-07.

Conditions:
Brunner syndrome (BRNRS). Identifiers: Orphanet 3057, MedGen C0796275, MONDO:0010379, OMIM 300615.
Inborn genetic diseases. Identifiers: MedGen C0950123, MeSH D030342.

Allele frequency attached by ClinVar (database versions not stated): gnomAD exomes below 0.00001.
gnomAD v4.1: 1 of 1,211,199 alleles (0.000083%); highest among the groups gnomAD compares: Non-Finnish European, 0.00011%; no homozygotes.

Submissions (2):

Ambry Genetics
Classification: Likely benign for Inborn genetic diseases. Last evaluated: 2025-10-07. Review status: criteria provided, single submitter. Criteria: Ambry Variant Classification Scheme 2023. Collection method: clinical testing. Allele origin: germline.

Labcorp Genetics (formerly Invitae), Labcorp
Classification: Uncertain significance for Brunner syndrome. Last evaluated: 2022-02-05. Review status: criteria provided, single submitter. Criteria: Invitae Variant Classification Sherloc (09022015). Collection method: clinical testing. Allele origin: germline.
Comment: This sequence change replaces asparagine, which is neutral and polar, with serine, which is neutral and polar, at codon 271 of the MAOA protein (p.Asn271Ser). This variant is not present in population databases (gnomAD no frequency). This variant has not been reported in the literature in individuals affected with MAOA-related conditions. Algorithms developed to predict the effect of missense changes on protein structure and function output the following: SIFT: "Tolerated"; PolyPhen-2: "Benign"; Align-GVGD: "Class C0". The serine amino acid residue is found in multiple mammalian species, which suggests that this missense change does not adversely affect protein function. In summary, the available evidence is currently insufficient to determine the role of this variant in disease. Therefore, it has been classified as a Variant of Uncertain Significance.